The following is an entry in ClinVar:

ClinVar aggregate classification (germline): Conflicting classifications of pathogenicity. Review status: criteria provided, conflicting classifications (1 of 4 stars). 2 submissions from 2 submitters: Likely pathogenic (1); Uncertain significance (1). Last evaluated 2022-12-23.

Conditions:
Feingold syndrome type 1 (FGLDS1). Also called: MICROCEPHALY, MENTAL RETARDATION, AND TRACHEOESOPHAGEAL FISTULA SYNDROME; MICROCEPHALY-OCULO-DIGITO-ESOPHAGEAL-DUODENAL SYNDROME; OCULODIGITOESOPHAGODUODENAL SYNDROME; ODED SYNDROME; MICROCEPHALY AND DIGITAL ABNORMALITIES WITH NORMAL INTELLIGENCE. Identifiers: Orphanet 1305, Orphanet 391641, MedGen C4551774, MONDO:0008115, OMIM 164280.

Submissions (2):

Labcorp Genetics (formerly Invitae), Labcorp
Classification: Uncertain significance. Last evaluated: 2022-12-23. Review status: criteria provided, single submitter. Criteria: Invitae Variant Classification Sherloc (09022015). Collection method: clinical testing. Allele origin: germline.
Comment: In summary, the available evidence is currently insufficient to determine the role of this variant in disease. Therefore, it has been classified as a Variant of Uncertain Significance. This variant disrupts the p.Arg394 amino acid residue in MYCN. Other variant(s) that disrupt this residue have been determined to be pathogenic (PMID: 15821734, 33442900). This suggests that this residue is clinically significant, and that variants that disrupt this residue are likely to be disease-causing. Advanced modeling of protein sequence and biophysical properties (such as structural, functional, and spatial information, amino acid conservation, physicochemical variation, residue mobility, and thermodynamic stability) performed at Invitae indicates that this missense variant is expected to disrupt MYCN protein function. ClinVar contains an entry for this variant (Variation ID: 433153). This missense change has been observed in individual(s) with Feingold syndrome (Invitae). This variant is not present in population databases (gnomAD no frequency). This sequence change replaces arginine, which is basic and polar, with leucine, which is neutral and non-polar, at codon 394 of the MYCN protein (p.Arg394Leu).

Molecular Diagnostics Lab, Nemours Children's Health, Delaware
Classification: Likely pathogenic for Feingold syndrome type 1. Last evaluated: 2016-01-12. Review status: criteria provided, single submitter. Criteria: ACMG Guidelines, 2015. Collection method: clinical testing. Allele origin: unknown. Affected: yes. Observed: 1 heterozygote.

Literature cited by the submitters: PubMed 15821734 (cited by Labcorp Genetics (formerly Invitae), Labcorp); PubMed 33442900 (cited by Labcorp Genetics (formerly Invitae), Labcorp).

NM_005378.6(MYCN):c.1181G>T (p.Arg394Leu)

Gene: MYCN (MYCN proto-oncogene, bHLH transcription factor; plus strand). Cytogenetic location: 2p24.3.
Variant type: single nucleotide variant.
Coding change: c.1181G>T on transcript NM_005378.6 (MANE Select); coding-DNA position 1181, G replaced by T.
Protein change: p.Arg394Leu; replaces arginine 394 with leucine.
Molecular consequence: missense variant. On other transcripts: 3 prime UTR variant (1).
Genome position (GRCh38, 1-based): chr2:15,945,883, G>T. VCF-style: chr2-15945883-G-T. GRCh37 (hg19) VCF-style: chr2-16086005-G-T.
Other names: c.1181G>T, p.Arg394Leu (NM_001293228.2); c.548G>T, p.Arg183Leu (NM_001293231.2); c.*1116G>T (NM_001293233.2); short protein forms R394L, R183L.
Identifiers: ClinVar variation 433153 (VCV000433153.6), dbSNP rs104893648, ClinGen allele CA345932452.